The following is an entry in ClinVar:

NM_004380.3(CREBBP):c.2141G>T (p.Arg714Leu)

Gene: CREBBP (CREB binding lysine acetyltransferase; minus strand). Cytogenetic location: 16p13.3.
Variant type: single nucleotide variant.
Coding change: c.2141G>T on transcript NM_004380.3 (MANE Select); coding-DNA position 2141, G replaced by T.
Protein change: p.Arg714Leu; replaces arginine 714 with leucine.
Molecular consequence: missense variant.
Genome position (GRCh38, 1-based): chr16:3,777,630, C>A on the plus strand (G>T on the coding strand, the complement: CREBBP is on the minus strand). VCF-style: chr16-3777630-C-A. GRCh37 (hg19) VCF-style: chr16-3827631-C-A.
Other names: c.2027G>T, p.Arg676Leu (NM_001079846.1); short protein forms R714L, R676L.
Identifiers: ClinVar variation 527958 (VCV000527958.11), dbSNP rs141098117, ClinGen allele CA394554059.

ClinVar aggregate classification (germline): Uncertain significance. Review status: criteria provided, multiple submitters, no conflicts (2 of 4 stars). 2 submissions from 2 submitters: Uncertain significance (2). Last evaluated 2024-04-30.

Conditions:
Rubinstein-Taybi syndrome (RSTS). Identifiers: Orphanet 783, MedGen C0035934, MONDO:0019188.
Rubinstein-Taybi syndrome due to CREBBP mutations (RSTS1). Also called: RUBINSTEIN SYNDROME; BROAD THUMBS AND GREAT TOES, CHARACTERISTIC FACIES, AND IMPAIRED INTELLECTUAL DEVELOPMENT; RUBINSTEIN-TAYBI SYNDROME 1, INCOMPLETE; Rubinstein-Taybi syndrome 1; BROAD THUMB-HALLUX SYNDROME; CREBBP-Related Rubinstein-Taybi Syndrome. Identifiers: Orphanet 353277, Orphanet 783, MedGen C4551859, MONDO:0008393, OMIM 180849.
Menke-Hennekam syndrome 1 (MKHK1). Identifiers: MedGen C5193034, MONDO:0020763, OMIM 618332.

gnomAD v4.1: 1 of 1,614,090 alleles (0.000062%); highest among the groups gnomAD compares: Non-Finnish European, 0.000085%; no homozygotes.

Submissions (2):

Fulgent Genetics
Classification: Uncertain significance for Rubinstein-Taybi syndrome due to CREBBP mutations; Menke-Hennekam syndrome 1. Last evaluated: 2024-04-30. Review status: criteria provided, single submitter. Criteria: ACMG Guidelines, 2015. Collection method: clinical testing. Allele origin: germline.

Labcorp Genetics (formerly Invitae), Labcorp
Classification: Uncertain significance for Rubinstein-Taybi syndrome. Last evaluated: 2017-08-30. Review status: criteria provided, single submitter. Criteria: Invitae Variant Classification Sherloc (09022015). Collection method: clinical testing. Allele origin: germline.
Comment: In summary, the available evidence is currently insufficient to determine the role of this variant in disease. Therefore, it has been classified as a Variant of Uncertain Significance. Algorithms developed to predict the effect of missense changes on protein structure and function (SIFT, PolyPhen-2, Align-GVGD) all suggest that this variant is likely to be disruptive, but these predictions have not been confirmed by published functional studies and their clinical significance is uncertain. This variant has not been reported in the literature in individuals with CREBBP-related disease. This variant is not present in population databases (ExAC no frequency). This sequence change replaces arginine with leucine at codon 714 of the CREBBP protein (p.Arg714Leu). The arginine residue is highly conserved and there is a moderate physicochemical difference between arginine and leucine.